The following is an entry in ClinVar:

ClinVar aggregate classification (germline): Uncertain significance. Review status: criteria provided, multiple submitters, no conflicts (2 of 4 stars). 2 submissions from 2 submitters: Uncertain significance (2). Last evaluated 2026-04-02.

Conditions:
Dyskeratosis congenita, autosomal dominant 2. Identifiers: MedGen C3151443, MONDO:0013521, OMIM 613989.
Idiopathic Pulmonary Fibrosis. Also called: Idiopathic fibrosing alveolitis, chronic form; idiopathic fibrosing alveolitis. Identifiers: Orphanet 2032, MedGen C1800706, MeSH D054990, MONDO:0800504.
Dyskeratosis congenita. Identifiers: Orphanet 1775, MedGen C0265965, MONDO:0015780.

Submissions (2):

Ambry Genetics
Classification: Uncertain significance for Dyskeratosis congenita. Last evaluated: 2026-04-02. Review status: criteria provided, single submitter. Criteria: Ambry Variant Classification Scheme 2023. Collection method: clinical testing. Allele origin: germline.
Comment: The p.A93G variant (also known as c.278C>G), located in coding exon 2 of the TERT gene, results from a C to G substitution at nucleotide position 278. The alanine at codon 93 is replaced by glycine, an amino acid with similar properties. This amino acid position is not well conserved in available vertebrate species. In addition, this alteration is predicted to be tolerated by in silico analysis. Based on the available evidence, the clinical significance of this variant remains unclear.

Labcorp Genetics (formerly Invitae), Labcorp
Classification: Uncertain significance for Dyskeratosis congenita, autosomal dominant 2; Idiopathic Pulmonary Fibrosis. Last evaluated: 2022-06-15. Review status: criteria provided, single submitter. Criteria: Invitae Variant Classification Sherloc (09022015). Collection method: clinical testing. Allele origin: germline.
Comment: Algorithms developed to predict the effect of missense changes on protein structure and function (SIFT, PolyPhen-2, Align-GVGD) all suggest that this variant is likely to be tolerated. This variant has not been reported in the literature in individuals affected with TERT-related conditions. In summary, the available evidence is currently insufficient to determine the role of this variant in disease. Therefore, it has been classified as a Variant of Uncertain Significance. This sequence change replaces alanine, which is neutral and non-polar, with glycine, which is neutral and non-polar, at codon 93 of the TERT protein (p.Ala93Gly). This variant is not present in population databases (gnomAD no frequency).

NM_198253.3(TERT):c.278C>G (p.Ala93Gly)

Gene: TERT (telomerase reverse transcriptase; minus strand). Cytogenetic location: 5p15.33.
Variant type: single nucleotide variant.
Coding change: c.278C>G on transcript NM_198253.3 (MANE Select); coding-DNA position 278, C replaced by G.
Protein change: p.Ala93Gly; replaces alanine 93 with glycine.
Molecular consequence: missense variant. On other transcripts: non-coding transcript variant (2).
Genome position (GRCh38, 1-based): chr5:1,294,608, G>C on the plus strand (C>G on the coding strand, the complement: TERT is on the minus strand). VCF-style: chr5-1294608-G-C. GRCh37 (hg19) VCF-style: chr5-1294723-G-C.
Other names: c.278C>G, p.Ala93Gly (NM_001193376.3, NM_003219.1); short protein forms A93G.
Identifiers: ClinVar variation 2188348 (VCV002188348.5), dbSNP rs1751268584, ClinGen allele CA359058533.